The following is an entry in ClinVar:

NM_000091.5(COL4A3):c.749G>A (p.Gly250Asp)

Genes: COL4A3 (collagen type IV alpha 3 chain; plus strand), MFF-DT (MFF divergent transcript; minus strand). Cytogenetic location: 2q36.3.
Variant type: single nucleotide variant.
Coding change: c.749G>A on transcript NM_000091.5 (MANE Select); coding-DNA position 749, G replaced by A.
Protein change: p.Gly250Asp; replaces glycine 250 with aspartic acid.
Molecular consequence: missense variant.
Genome position (GRCh38, 1-based): chr2:227,253,622, G>A. VCF-style: chr2-227253622-G-A. GRCh37 (hg19) VCF-style: chr2-228118338-G-A.
Other names: short protein forms G250D.
Identifiers: ClinVar variation 3602292 (VCV003602292.1).

ClinVar aggregate classification (germline): Uncertain significance (1 of 4 stars; one submission).

gnomAD v4.1: 1 of 1,613,836 alleles (0.000062%); highest among the groups gnomAD compares: Admixed American, 0.0017%; no homozygotes.

Submission:

GeneDx
Classification: Uncertain significance. Last evaluated: 2024-07-30. Review status: criteria provided, single submitter. Criteria: GeneDx Variant Classification Process June 2021. Collection method: clinical testing. Allele origin: germline. Affected: yes.
Comment: Not observed at significant frequency in large population cohorts (gnomAD); In silico analysis supports that this missense variant has a deleterious effect on protein structure/function; Has not been previously published as pathogenic or benign to our knowledge; Occurs in the triple helical domain within an interruption of the canonical Gly-X-Y repeat